The following is an entry in ClinVar:

NM_002693.3(POLG):c.3211C>T (p.Arg1071Cys)

Gene: POLG (DNA polymerase gamma, catalytic subunit; minus strand). Cytogenetic location: 15q26.1.
Variant type: single nucleotide variant.
Coding change: c.3211C>T on transcript NM_002693.3 (MANE Select); coding-DNA position 3211, C replaced by T.
Protein change: p.Arg1071Cys; replaces arginine 1071 with cysteine.
Molecular consequence: missense variant.
Genome position (GRCh38, 1-based): chr15:89,318,993, G>A on the plus strand (C>T on the coding strand, the complement: POLG is on the minus strand). VCF-style: chr15-89318993-G-A. GRCh37 (hg19) VCF-style: chr15-89862224-G-A.
Other names: c.3211C>T, p.Arg1071Cys (NM_001126131.2); short protein forms R1071C.
Identifiers: ClinVar variation 689441 (VCV000689441.26), dbSNP rs762593265, ClinGen allele CA7724207.

ClinVar aggregate classification (germline): Uncertain significance. Review status: criteria provided, multiple submitters, no conflicts (2 of 4 stars). 5 submissions from 5 submitters: Uncertain significance (5). Last evaluated 2026-06-11.

Conditions:
Mitochondrial DNA depletion syndrome 1. Also called: Mitochondrial DNA depletion syndrome 1 (MNGIE type); Mitochondrial neurogastrointestinal encephalomyopathy syndrome; Mitochondrial Neurogastrointestinal Encephalopathy Disease; MITOCHONDRIAL NEUROGASTROINTESTINAL ENCEPHALOPATHY SYNDROME, TYMP-RELATED; MNGIE, TYMP-RELATED; Mitochondrial DNA Depletion Syndrome, MNGIE Form. Identifiers: Orphanet 298, MedGen C4551995, MONDO:0011283, OMIM 603041.
Sensory ataxic neuropathy, dysarthria, and ophthalmoparesis (SANDO). Also called: SENSORY ATAXIC NEUROPATHY WITH MITOCHONDRIAL DNA DELETIONS, AUTOSOMAL RECESSIVE; Epilepsy, progressive myoclonic, type 5; Ataxia Neuropathy Spectrum (ANS); Sensory ataxic neuropathy-dysarthria-ophthalmoparesis syndrome. Identifiers: Orphanet 70595, MedGen C1843851, MONDO:0011835, OMIM 607459.
Progressive sclerosing poliodystrophy (MTDPS4A). Also called: ALPERS DIFFUSE DEGENERATION OF CEREBRAL GRAY MATTER WITH HEPATIC CIRRHOSIS; Mitochondrial DNA Depletion Syndrome 4A; Alpers Syndrome; Alpers-Huttenlocher Syndrome; NEURONAL DEGENERATION OF CHILDHOOD WITH LIVER DISEASE, PROGRESSIVE; Mitochondrial DNA depletion syndrome 4A (Alpers type). Identifiers: Orphanet 726, MedGen C0205710, MONDO:0008758, OMIM 203700.
Progressive external ophthalmoplegia with mitochondrial DNA deletions, autosomal dominant 1 (PEOA1). Also called: Autosomal Dominant Progressive External Ophthalmoplegia (adPEO); PROGRESSIVE EXTERNAL OPHTHALMOPLEGIA, AUTOSOMAL DOMINANT 1. Identifiers: MedGen C1834846, MONDO:0024528, OMIM 157640.
Progressive external ophthalmoplegia with mitochondrial DNA deletions, autosomal recessive 1 (PEOB1). Also called: Progressive external ophthalmoplegia, autosomal recessive 1; Autosomal Recessive Progressive External Ophthalmoplegia (arPEO). Identifiers: Orphanet 254886, MedGen C4225153, MONDO:0009783, OMIM 258450.
Mitochondrial DNA depletion syndrome 4b. Also called: Mitochondrial Neurogastrointestinal Encephalopathy Disease, POLG-Related; MNGIE, POLG-RELATED. Identifiers: Orphanet 298, MedGen C3150914, MONDO:0013350, OMIM 613662.

Allele frequency attached by ClinVar (database versions not stated): gnomAD 0.00001; gnomAD exomes 0.00001 and 0.00005; ExAC 0.00002.

Submissions (5):

Women's Health and Genetics/Laboratory Corporation of America, LabCorp
Classification: Uncertain significance. Last evaluated: 2026-06-11. Review status: criteria provided, single submitter. Criteria: LabCorp Variant Classification Summary - May 2015. Collection method: clinical testing. Allele origin: germline.
Comment: Variant summary: POLG c.3211C>T (p.Arg1071Cys) results in a non-conservative amino acid change in the encoded protein sequence. Algorithms developed to predict the effect of missense changes on protein structure and function are either unavailable or do not agree on the potential impact of this missense change. The variant allele was found at a frequency of 8e-06 in 250916 control chromosomes. The available data on variant occurrences in the general population are insufficient to allow any conclusion about variant significance. To our knowledge, no occurrence of c.3211C>T in individuals affected with POLG-related conditions and no experimental evidence demonstrating its impact on protein function have been reported. ClinVar contains an entry for this variant (Variation ID: 689441). Based on the evidence outlined above, the variant was classified as uncertain significance.

Labcorp Genetics (formerly Invitae), Labcorp
Classification: Uncertain significance for Progressive sclerosing poliodystrophy. Last evaluated: 2024-10-24. Review status: criteria provided, single submitter. Criteria: Invitae Variant Classification Sherloc (09022015). Collection method: clinical testing. Allele origin: germline.
Comment: This sequence change replaces arginine, which is basic and polar, with cysteine, which is neutral and slightly polar, at codon 1071 of the POLG protein (p.Arg1071Cys). This variant is present in population databases (rs762593265, gnomAD 0.006%). This variant has not been reported in the literature in individuals affected with POLG-related conditions. ClinVar contains an entry for this variant (Variation ID: 689441). Invitae Evidence Modeling of protein sequence and biophysical properties (such as structural, functional, and spatial information, amino acid conservation, physicochemical variation, residue mobility, and thermodynamic stability) indicates that this missense variant is not expected to disrupt POLG protein function with a negative predictive value of 95%. In summary, the available evidence is currently insufficient to determine the role of this variant in disease. Therefore, it has been classified as a Variant of Uncertain Significance.

CeGaT Center for Human Genetics Tuebingen
Classification: Uncertain significance. Last evaluated: 2024-04-01. Review status: criteria provided, single submitter. Criteria: CeGaT Center For Human Genetics Tuebingen Variant Classification Criteria Version 2. Collection method: clinical testing. Allele origin: germline. Affected: yes. Observed: 1 variant allele.
Comment: POLG: PM2

Fulgent Genetics
Classification: Uncertain significance for Progressive external ophthalmoplegia with mitochondrial DNA deletions, autosomal dominant 1; Progressive sclerosing poliodystrophy; Progressive external ophthalmoplegia with mitochondrial DNA deletions, autosomal recessive 1; Mitochondrial DNA depletion syndrome 1; Sensory ataxic neuropathy, dysarthria, and ophthalmoparesis; Mitochondrial DNA depletion syndrome 4b. Last evaluated: 2021-07-19. Review status: criteria provided, single submitter. Criteria: ACMG Guidelines, 2015. Collection method: clinical testing. Allele origin: unknown.

Johns Hopkins Genomics, Johns Hopkins University
Classification: Uncertain significance for Progressive external ophthalmoplegia with mitochondrial DNA deletions, autosomal dominant 1. Last evaluated: 2019-04-07. Review status: criteria provided, single submitter. Criteria: ACMG Guidelines, 2015. Collection method: clinical testing. Allele origin: germline.
Comment: This POLG variant (rs762593265) is rare (<0.1%) in large population datasets (gnomAD: 2/250916 total alleles; 0.0008%; no homozygotes). POLG c.3211C>T has not been reported in ClinVar nor the literature, to our knowledge. Two bioinformatic tools queried predict that this substitution would be tolerated. The arginine residue at this position is poorly evolutionarily conserved across the species assessed and a cysteine is present at this position in multiple species. This variant is located within the polymerase domain of pol gamma, which is the location of nearly all variants associated with autosomal dominant PEO. The clinical significance of c.3211C>T is uncertain at this time.

Literature cited by the submitters: PubMed 19010300 (cited by Johns Hopkins Genomics, Johns Hopkins University); PubMed 11431686 (cited by Johns Hopkins Genomics, Johns Hopkins University).